The following is an entry in ClinVar:

ClinVar aggregate classification (germline): Uncertain significance (1 of 4 stars; one submission).

Conditions:
RIPOR2-related disorder. Also called: RIPOR2-related condition.

gnomAD v4.1: 1 of 1,551,744 alleles (0.000064%); highest among the groups gnomAD compares: Non-Finnish European, 0.000087%; no homozygotes.

Submission:

PreventionGenetics, part of Exact Sciences
Classification: Uncertain significance for RIPOR2-related condition. Last evaluated: 2025-06-17. Review status: criteria provided, single submitter. Criteria: ACMG Guidelines, 2015. Collection method: clinical testing. Allele origin: germline.
Comment: The RIPOR2 c.1178G>A variant is predicted to result in the amino acid substitution p.Ser393Asn. To our knowledge, this variant has not been reported in the literature or in a large population database (gnomAD), indicating this variant is rare. At this time, the clinical significance of this variant is uncertain due to the absence of conclusive functional and genetic evidence.

NM_001286445.3(RIPOR2):c.1164+434G>A

Gene: RIPOR2 (RHO family interacting cell polarization regulator 2; minus strand). Cytogenetic location: 6p22.3.
Variant type: single nucleotide variant.
Coding change: c.1164+434G>A on transcript NM_001286445.3 (MANE Select); 434 bases into the intron after coding-DNA position 1164, G replaced by A.
Molecular consequence: intron variant. On other transcripts: missense variant (1).
Genome position (GRCh38, 1-based): chr6:24,847,591, C>T on the plus strand (G>A on the coding strand, the complement: RIPOR2 is on the minus strand). VCF-style: chr6-24847591-C-T. GRCh37 (hg19) VCF-style: chr6-24847819-C-T.
Other names: c.1178G>A, p.Ser393Asn (NM_014722.5); c.1077+434G>A (NM_001346031.2, NM_001346032.2, NM_015864.5 and 1 more transcripts); c.1179+434G>A (NM_001286446.3); short protein forms S393N.
Identifiers: ClinVar variation 4979944 (VCV004979944.1).